The following is an entry in ClinVar:

NM_032119.4(ADGRV1):c.12542C>T (p.Pro4181Leu)

Gene: ADGRV1 (adhesion G protein-coupled receptor V1; plus strand). Cytogenetic location: 5q14.3.
Variant type: single nucleotide variant.
Coding change: c.12542C>T on transcript NM_032119.4 (MANE Select); coding-DNA position 12542, C replaced by T.
Protein change: p.Pro4181Leu; replaces proline 4181 with leucine.
Molecular consequence: missense variant. On other transcripts: non-coding transcript variant (1).
Genome position (GRCh38, 1-based): chr5:90,777,919, C>T. VCF-style: chr5-90777919-C-T. GRCh37 (hg19) VCF-style: chr5-90073736-C-T.
Other names: short protein forms P4181L.
Identifiers: ClinVar variation 432348 (VCV000432348.21), dbSNP rs200957385, ClinGen allele CA3341286.

ClinVar aggregate classification (germline): Conflicting classifications of pathogenicity. Review status: criteria provided, conflicting classifications (1 of 4 stars). 8 submissions from 8 submitters: Uncertain significance (7); Likely benign (1). Last evaluated 2025-12-28.

Conditions:
ADGRV1-related disorder. Also called: ADGRV1-related condition; ADGRV1-related disorders.
Usher syndrome type 2C. Also called: USHER SYNDROME, TYPE IIC; Usher syndrome, type 2B. Identifiers: Orphanet 231178, Orphanet 886, MedGen C2931213, MONDO:0011558, OMIM 605472.

Allele frequency attached by ClinVar (database versions not stated): gnomAD 0.00003 and 0.00005; TOPMed 0.00006; gnomAD exomes 0.00010; ExAC 0.00014; 1000 Genomes Project 30x 0.00016; ESP Exome Variant Server 0.00017.
gnomAD v4.1: 149 of 1,610,732 alleles (0.0093%); highest among the groups gnomAD compares: Middle Eastern, 0.12%; no homozygotes.

Submissions (8):

Labcorp Genetics (formerly Invitae), Labcorp
Classification: Likely benign. Last evaluated: 2025-12-28. Review status: criteria provided, single submitter. Criteria: Invitae Variant Classification Sherloc (09022015). Collection method: clinical testing. Allele origin: germline.

Women's Health and Genetics/Laboratory Corporation of America, LabCorp
Classification: Uncertain significance. Last evaluated: 2025-11-26. Review status: criteria provided, single submitter. Criteria: LabCorp Variant Classification Summary - May 2015. Collection method: clinical testing. Allele origin: germline.
Comment: Variant summary: ADGRV1 c.12542C>T (p.Pro4181Leu) results in a non-conservative amino acid change in the encoded protein sequence. Algorithms developed to predict the effect of missense changes on protein structure and function are either unavailable or do not agree on the potential impact of this missense change. The variant allele was found at a frequency of 0.0001 in 247734 control chromosomes. This frequency is not significantly higher than estimated for disease-causing variants in ADGRV1, allowing no conclusion about variant significance. c.12542C>T has been observed at a heterozygous state in one individual affected with retinal dystrophy (Cosa_2017). These report(s) do not provide unequivocal conclusions about association of the variant with Usher Syndrome. To our knowledge, no experimental evidence demonstrating an impact on protein function has been reported. The following publication has been ascertaine in the context of this evaluation (PMID: 28912962). ClinVar contains an entry for this variant (Variation ID: 432348). Based on the evidence outlined above, the variant was classified as uncertain significance.

PreventionGenetics, part of Exact Sciences
Classification: Uncertain significance for ADGRV1-related condition. Last evaluated: 2025-10-21. Review status: criteria provided, single submitter. Criteria: ACMG Guidelines, 2015. Collection method: clinical testing. Allele origin: germline.
Comment: The ADGRV1 c.12542C>T variant is predicted to result in the amino acid substitution p.Pro4181Leu. To our knowledge, this variant has not been reported in the literature. This variant is reported in 0.020% of alleles in individuals of South Asian descent in gnomAD. At this time, the clinical significance of this variant is uncertain due to the absence of conclusive functional and genetic evidence.

Blueprint Genetics
Classification: Uncertain significance. Last evaluated: 2024-06-28. Review status: criteria provided, single submitter. Criteria: ACMG Guidelines, 2015. Collection method: clinical testing. Allele origin: germline.

Laboratory for Molecular Medicine, Mass General Brigham Personalized Medicine
Classification: Uncertain significance. Last evaluated: 2019-11-26. Review status: criteria provided, single submitter. Criteria: LMM Criteria. Collection method: clinical testing. Allele origin: germline. Observed: 1 variant allele.
Comment: The p.Pro4181Leu variant in ADGRV1 has not been previously reported in individuals with hearing loss but has been identified in 0.01% (6/30336) of South Asian chromosomes by gnomAD. This variant has also been reported in ClinVar (Variation ID 432348). Computational prediction tools and conservation analyses do not provide strong support for or against an impact to the protein. In summary, the clinical significance of this variant is uncertain. ACMG/AMP Criteria applied: PM2_Supporting.

Illumina Laboratory Services, Illumina
Classification: Uncertain significance for Usher syndrome type 2C. Last evaluated: 2018-01-13. Review status: criteria provided, single submitter. Criteria: ICSL Variant Classification Criteria 13 December 2019. Collection method: clinical testing. Allele origin: germline.

GeneDx
Classification: Uncertain significance. Last evaluated: 2017-06-05. Review status: criteria provided, single submitter. Criteria: GeneDx Variant Classification (06012015). Collection method: clinical testing. Allele origin: germline. Affected: yes.
Comment: The P4181L variant in the ADGRV1 gene has not been reported previously as a pathogenic variant, nor as a benign variant, to our knowledge. The P4181L variant is observed in 3/14198 (0.021%) alleles from individuals of South Asian background, in large population cohorts (Lek et al., 2016; 1000 Genomes Consortium et al., 2015; Exome Variant Server). The P4181L variant is a semi-conservative amino acid substitution, which may impact secondary protein structure as these residues differ in some properties. This substitution occurs at a position that is conserved across species. In silico analysis predicts this variant is probably damaging to the protein structure/function. We interpret P4181L as a variant of uncertain significance.

Breakthrough Genomics
Classification: Uncertain significance. Review status: criteria provided, single submitter. Criteria: ACMG Guidelines, 2015. Collection method: not provided. Allele origin: germline. Inheritance: Autosomal recessive inheritance. Affected: yes.

Literature cited by the submitters: PubMed 28912962 (cited by Women's Health and Genetics/Laboratory Corporation of America, LabCorp).